The following is an entry in ClinVar:

NM_033198.4(PIGS):c.286+7T>C

Gene: PIGS (phosphatidylinositol glycan anchor biosynthesis class S; minus strand). Cytogenetic location: 17q11.2.
Variant type: single nucleotide variant.
Coding change: c.286+7T>C on transcript NM_033198.4 (MANE Select); 7 bases into the intron after coding-DNA position 286, T replaced by C.
Molecular consequence: intron variant.
Genome position (GRCh38, 1-based): chr17:28,570,845, A>G on the plus strand (T>C on the coding strand, the complement: PIGS is on the minus strand). VCF-style: chr17-28570845-A-G. GRCh37 (hg19) VCF-style: chr17-26897863-A-G.
Identifiers: ClinVar variation 3052709 (VCV003052709.2), dbSNP rs373522166, ClinGen allele CA8460362.

ClinVar aggregate classification (germline): Benign (0 of 4 stars; one submission).

Conditions:
PIGS-related disorder. Also called: PIGS-related condition.

Allele frequency attached by ClinVar (database versions not stated): ESP Exome Variant Server 0.00008; TOPMed 0.00014; gnomAD 0.00058; ExAC 0.00208; 1000 Genomes Project 0.00280; 1000 Genomes Project 30x 0.00281.
gnomAD v4.1: 1,524 of 1,614,054 alleles (0.094%); highest among the groups gnomAD compares: South Asian, 1.5%; 33 homozygotes.

Submission:

PreventionGenetics, part of Exact Sciences
Classification: Benign for PIGS-related condition. Last evaluated: 2019-10-02. Review status: no assertion criteria provided. Collection method: clinical testing. Allele origin: germline.
Comment: This variant is classified as benign based on ACMG/AMP sequence variant interpretation guidelines (Richards et al. 2015 PMID: 25741868, with internal and published modifications).